The following is an entry in ClinVar:

NM_001145715.3(KPNA7):c.243C>G (p.Ser81Arg)

Gene: KPNA7 (karyopherin subunit alpha 7; minus strand). Cytogenetic location: 7q22.1.
Variant type: single nucleotide variant.
Coding change: c.243C>G on transcript NM_001145715.3 (MANE Select); coding-DNA position 243, C replaced by G.
Protein change: p.Ser81Arg; replaces serine 81 with arginine.
Molecular consequence: missense variant.
Genome position (GRCh38, 1-based): chr7:99,196,125, G>C on the plus strand (C>G on the coding strand, the complement: KPNA7 is on the minus strand). VCF-style: chr7-99196125-G-C. GRCh37 (hg19) VCF-style: chr7-98793748-G-C.
Other names: short protein forms S81R.
Identifiers: ClinVar variation 644543 (VCV000644543.4), dbSNP rs946371056, ClinGen allele CA163746750.

ClinVar aggregate classification (germline): Uncertain significance (1 of 4 stars; one submission).

Allele frequency attached by ClinVar (database versions not stated): gnomAD 0.00001.
gnomAD v4.1: 2 of 1,551,716 alleles (0.00013%); highest among the groups gnomAD compares: Admixed American, 0.002%; no homozygotes.

Submission:

Labcorp Genetics (formerly Invitae), Labcorp
Classification: Uncertain significance. Last evaluated: 2022-09-13. Review status: criteria provided, single submitter. Criteria: Invitae Variant Classification Sherloc (09022015). Collection method: clinical testing. Allele origin: germline.
Comment: This sequence change replaces serine, which is neutral and polar, with arginine, which is basic and polar, at codon 81 of the KPNA7 protein (p.Ser81Arg). This variant is not present in population databases (gnomAD no frequency). This variant has not been reported in the literature in individuals affected with KPNA7-related conditions. ClinVar contains an entry for this variant (Variation ID: 644543). Advanced modeling of protein sequence and biophysical properties (such as structural, functional, and spatial information, amino acid conservation, physicochemical variation, residue mobility, and thermodynamic stability) has been performed at Invitae for this missense variant, however the output from this modeling did not meet the statistical confidence thresholds required to predict the impact of this variant on KPNA7 protein function. Algorithms developed to predict the effect of sequence changes on RNA splicing suggest that this variant may disrupt the consensus splice site. In summary, the available evidence is currently insufficient to determine the role of this variant in disease. Therefore, it has been classified as a Variant of Uncertain Significance.